The following is an entry in ClinVar:

NM_018979.4(WNK1):c.5867G>A (p.Gly1956Asp)

Gene: WNK1 (WNK lysine deficient protein kinase 1; plus strand). Cytogenetic location: 12p13.33.
Variant type: single nucleotide variant.
Coding change: c.5867G>A on transcript NM_018979.4 (MANE Select); coding-DNA position 5867, G replaced by A.
Protein change: p.Gly1956Asp; replaces glycine 1956 with aspartic acid.
Molecular consequence: missense variant.
Genome position (GRCh38, 1-based): chr12:896,354, G>A. VCF-style: chr12-896354-G-A. GRCh37 (hg19) VCF-style: chr12-1005520-G-A.
Other names: c.6647G>A, p.Gly2216Asp (NM_001184985.2); c.5123G>A, p.Gly1708Asp (NM_014823.3); c.6623G>A, p.Gly2208Asp (NM_213655.5); short protein forms G1956D, G2216D, G2208D, G1708D.
Identifiers: ClinVar variation 2139509 (VCV002139509.4), dbSNP rs776025657, ClinGen allele CA6383294.

ClinVar aggregate classification (germline): Uncertain significance (1 of 4 stars; one submission).

Conditions:
Neuropathy, hereditary sensory and autonomic, type 2A (HSAN2A). Also called: ACROOSTEOLYSIS, GIACCAI TYPE; ACROOSTEOLYSIS, NEUROGENIC; MORVAN DISEASE; NEUROPATHY, CONGENITAL SENSORY; NEUROPATHY, HEREDITARY SENSORY RADICULAR, AUTOSOMAL RECESSIVE; NEUROPATHY, HEREDITARY SENSORY, TYPE IIA. Identifiers: Orphanet 970, MedGen C2752089, MONDO:0024309, OMIM 201300.
Pseudohypoaldosteronism type 2C (PHA2C). Also called: Pseudohypoaldosteronism Type IIC. Identifiers: Orphanet 757, Orphanet 88940, MedGen C1840391, MONDO:0013778, OMIM 614492.

Allele frequency attached by ClinVar (database versions not stated): TOPMed below 0.00001; ExAC 0.00001; gnomAD exomes 0.00001.
gnomAD v4.1: 5 of 1,614,188 alleles (0.00031%); highest among the groups gnomAD compares: Admixed American, 0.0083%; no homozygotes.

Submission:

Labcorp Genetics (formerly Invitae), Labcorp
Classification: Uncertain significance for Neuropathy, hereditary sensory and autonomic, type 2A; Pseudohypoaldosteronism type 2C. Last evaluated: 2024-06-08. Review status: criteria provided, single submitter. Criteria: Invitae Variant Classification Sherloc (09022015). Collection method: clinical testing. Allele origin: germline.
Comment: This sequence change replaces glycine, which is neutral and non-polar, with aspartic acid, which is acidic and polar, at codon 2208 of the WNK1 protein (p.Gly2208Asp). This variant is present in population databases (rs776025657, gnomAD 0.01%). This variant has not been reported in the literature in individuals affected with WNK1-related conditions. ClinVar contains an entry for this variant (Variation ID: 2139509). Experimental studies and prediction algorithms are not available or were not evaluated, and the functional significance of this variant is currently unknown. In summary, the available evidence is currently insufficient to determine the role of this variant in disease. Therefore, it has been classified as a Variant of Uncertain Significance.